The following is an entry in ClinVar:

ClinVar aggregate classification (germline): Uncertain significance. Review status: criteria provided, multiple submitters, no conflicts (2 of 4 stars). 2 submissions from 2 submitters: Uncertain significance (2). Last evaluated 2025-04-23.

Conditions:
Multiple endocrine neoplasia type 4. Also called: MULTIPLE ENDOCRINE NEOPLASIA, TYPE IV. Identifiers: Orphanet 276152, MedGen C1970712, MONDO:0012552, OMIM 610755.
Hereditary cancer-predisposing syndrome. Also called: Neoplastic Syndromes, Hereditary; Tumor predisposition; Hereditary Cancer Syndrome; Hereditary neoplastic syndrome. Identifiers: Orphanet 140162, MedGen C0027672, MeSH D009386, MONDO:0015356.

Submissions (2):

Labcorp Genetics (formerly Invitae), Labcorp
Classification: Uncertain significance for Multiple endocrine neoplasia type 4. Last evaluated: 2025-04-23. Review status: criteria provided, single submitter. Criteria: Invitae Variant Classification Sherloc (09022015). Collection method: clinical testing. Allele origin: germline.
Comment: This sequence change replaces histidine, which is basic and polar, with proline, which is neutral and non-polar, at codon 48 of the CDKN1B protein (p.His48Pro). This variant is not present in population databases (gnomAD no frequency). This variant has not been reported in the literature in individuals affected with CDKN1B-related conditions. ClinVar contains an entry for this variant (Variation ID: 536831). An algorithm developed to predict the effect of missense changes on protein structure and function (PolyPhen-2) suggests that this variant is likely to be disruptive. In summary, the available evidence is currently insufficient to determine the role of this variant in disease. Therefore, it has been classified as a Variant of Uncertain Significance.

Ambry Genetics
Classification: Uncertain significance for Hereditary cancer-predisposing syndrome. Last evaluated: 2023-12-29. Review status: criteria provided, single submitter. Criteria: Ambry Variant Classification Scheme 2023. Collection method: clinical testing. Allele origin: germline.
Comment: The p.H48P variant (also known as c.143A>C), located in coding exon 1 of the CDKN1B gene, results from an A to C substitution at nucleotide position 143. The histidine at codon 48 is replaced by proline, an amino acid with similar properties. This amino acid position is well conserved in available vertebrate species. In addition, the in silico prediction for this alteration is inconclusive. Since supporting evidence is limited at this time, the clinical significance of this alteration remains unclear.

NM_004064.5(CDKN1B):c.143A>C (p.His48Pro)

Gene: CDKN1B (cyclin dependent kinase inhibitor 1B; plus strand). Cytogenetic location: 12p13.1.
Variant type: single nucleotide variant.
Coding change: c.143A>C on transcript NM_004064.5 (MANE Select); coding-DNA position 143, A replaced by C.
Protein change: p.His48Pro; replaces histidine 48 with proline.
Molecular consequence: missense variant.
Genome position (GRCh38, 1-based): chr12:12,717,982, A>C. VCF-style: chr12-12717982-A-C. GRCh37 (hg19) VCF-style: chr12-12870916-A-C.
Other names: short protein forms H48P.
Identifiers: ClinVar variation 536831 (VCV000536831.13), dbSNP rs1555085517, ClinGen allele CA383968938.